The following is an entry in ClinVar:

NM_000059.4(BRCA2):c.7682A>T (p.Gln2561Leu)

Gene: BRCA2 (BRCA2 DNA repair associated; plus strand). Cytogenetic location: 13q13.1.
Variant type: single nucleotide variant.
Coding change: c.7682A>T on transcript NM_000059.4 (MANE Select); coding-DNA position 7682, A replaced by T.
Protein change: p.Gln2561Leu; replaces glutamine 2561 with leucine.
Molecular consequence: missense variant.
Genome position (GRCh38, 1-based): chr13:32,357,806, A>T. VCF-style: chr13-32357806-A-T. GRCh37 (hg19) VCF-style: chr13-32931943-A-T.
Other names: short protein forms Q2561L.
Identifiers: ClinVar variation 928573 (VCV000928573.1), dbSNP rs55647716, ClinGen allele CA387745129.
Genomic context (GRCh38, chr13:32,357,806, plus strand): 5'-ATACGTATGGCGTTTCTAAACATTGCATAAAAATTAACAGCAAAAATGCAGAGTCTTTTC[A>T]GTTTCACACTGAAGATTATTTTGGTAAGGAAAGTTTATGGACTGGAAAAGGAATACAGTT-3'
Protein context (NP_000050.3, residues 2551-2571): KINSKNAESF[Gln2561Leu]FHTEDYFGKE

ClinVar aggregate classification (germline): Uncertain significance (1 of 4 stars; one submission).

gnomAD v4.1: 1 of 1,613,890 alleles (0.000062%); highest among the groups gnomAD compares: Non-Finnish European, 0.000085%; no homozygotes.

Submission:

Women's Health and Genetics/Laboratory Corporation of America, LabCorp
Classification: Uncertain significance. Last evaluated: 2019-11-15. Review status: criteria provided, single submitter. Criteria: LabCorp Variant Classification Summary - May 2015. Collection method: clinical testing. Allele origin: germline.
Comment: Variant summary: BRCA2 c.7682A>T (p.Gln2561Leu) results in a non-conservative amino acid change located in the Breast cancer type 2 susceptibility protein, helical domain (IPR015252) of the encoded protein sequence. Five of five in-silico tools predict a damaging effect of the variant on protein function. The variant was absent in 251286 control chromosomes (gnomAD). The available data on variant occurrences in the general population are insufficient to allow any conclusion about variant significance. c.7682A>T has been reported in the literature in one individual affected with Hereditary Breast and Ovarian Cancer (Arai_2018). The report does not provide unequivocal conclusions about association of the variant with Hereditary Breast and Ovarian Cancer. To our knowledge, no experimental evidence demonstrating an impact on protein function has been reported. No clinical diagnostic laboratories have submitted clinical-significance assessments for this variant to ClinVar after 2014. Based on the evidence outlined above, the variant was classified as uncertain significance.

Literature cited by the submitters: PubMed 29176636.